The following is an entry in ClinVar:

NM_001005273.3(CHD3):c.1340G>A (p.Gly447Glu)

Gene: CHD3 (chromodomain helicase DNA binding protein 3; plus strand). Cytogenetic location: 17p13.1.
Variant type: single nucleotide variant.
Coding change: c.1340G>A on transcript NM_001005273.3 (MANE Select); coding-DNA position 1340, G replaced by A.
Protein change: p.Gly447Glu; replaces glycine 447 with glutamic acid.
Molecular consequence: missense variant.
Genome position (GRCh38, 1-based): chr17:7,894,987, G>A. VCF-style: chr17-7894987-G-A. GRCh37 (hg19) VCF-style: chr17-7798305-G-A.
Other names: c.1517G>A, p.Gly506Glu (NM_001005271.3, NM_001437504.1); c.1505G>A, p.Gly502Glu (NM_001437507.1, NM_001437508.1, NM_001437509.1); c.1340G>A, p.Gly447Glu (NM_005852.4); short protein forms G506E, G447E, G502E.
Identifiers: ClinVar variation 5009531 (VCV005009531.2).

ClinVar aggregate classification (germline): Uncertain significance (1 of 4 stars; one submission).

gnomAD v4.1: 3 of 1,613,970 alleles (0.00019%); highest among the groups gnomAD compares: African/African-American, 0.0013%; no homozygotes.

Submission:

GeneDx
Classification: Uncertain significance. Last evaluated: 2026-10-16. Review status: criteria provided, single submitter. Criteria: GeneDx Variant Classification Process June 2021. Collection method: clinical testing. Allele origin: germline.
Comment: Not observed at significant frequency in large population cohorts (gnomAD); In silico analysis supports that this missense variant has a deleterious effect on protein structure/function; Has not been previously published as pathogenic or benign to our knowledge